The following is an entry in ClinVar:

NM_003560.4(PLA2G6):c.712G>A (p.Val238Met)

Gene: PLA2G6 (phospholipase A2 group VI; minus strand). Cytogenetic location: 22q13.1.
Variant type: single nucleotide variant.
Coding change: c.712G>A on transcript NM_003560.4 (MANE Select); coding-DNA position 712, G replaced by A.
Protein change: p.Val238Met; replaces valine 238 with methionine.
Molecular consequence: missense variant. On other transcripts: intron variant (1).
Genome position (GRCh38, 1-based): chr22:38,140,067, C>T on the plus strand (G>A on the coding strand, the complement: PLA2G6 is on the minus strand). VCF-style: chr22-38140067-C-T. GRCh37 (hg19) VCF-style: chr22-38536074-C-T.
Other names: c.712G>A (NM_003560.2); c.712G>A, p.Val238Met (NM_001004426.3, NM_001199562.3, NM_001349864.2 and 2 more transcripts); c.178G>A, p.Val60Met (NM_001349867.2, NM_001349869.2); c.119+3038G>A (NM_001349868.2); short protein forms V60M, V238M.
Identifiers: ClinVar variation 1411526 (VCV001411526.6), dbSNP rs781706286, ClinGen allele CA10231183.

ClinVar aggregate classification (germline): Uncertain significance. Review status: criteria provided, multiple submitters, no conflicts (2 of 4 stars). 2 submissions from 2 submitters: Uncertain significance (2). Last evaluated 2022-05-07.

Conditions:
Inborn genetic diseases. Identifiers: MedGen C0950123, MeSH D030342.
Infantile neuroaxonal dystrophy (NBIA2A). Also called: NEURODEGENERATION WITH BRAIN IRON ACCUMULATION 2A; SEITELBERGER DISEASE; Infantile neuroaxonal dystrophy 1. Identifiers: Orphanet 35069, MedGen C0270724, MONDO:0024457, OMIM 256600.

Allele frequency attached by ClinVar (database versions not stated): gnomAD 0.00001; TOPMed 0.00002; ExAC 0.00003.
gnomAD v4.1: 24 of 1,613,848 alleles (0.0015%); highest among the groups gnomAD compares: African/African-American, 0.0053%; no homozygotes.

Submissions (2):

Labcorp Genetics (formerly Invitae), Labcorp
Classification: Uncertain significance for Infantile neuroaxonal dystrophy. Last evaluated: 2022-05-07. Review status: criteria provided, single submitter. Criteria: Invitae Variant Classification Sherloc (09022015). Collection method: clinical testing. Allele origin: germline.
Comment: This sequence change replaces valine, which is neutral and non-polar, with methionine, which is neutral and non-polar, at codon 238 of the PLA2G6 protein (p.Val238Met). This variant is present in population databases (rs781706286, gnomAD 0.006%). This variant has not been reported in the literature in individuals affected with PLA2G6-related conditions. Advanced modeling of protein sequence and biophysical properties (such as structural, functional, and spatial information, amino acid conservation, physicochemical variation, residue mobility, and thermodynamic stability) performed at Invitae indicates that this missense variant is not expected to disrupt PLA2G6 protein function. In summary, the available evidence is currently insufficient to determine the role of this variant in disease. Therefore, it has been classified as a Variant of Uncertain Significance.

Ambry Genetics
Classification: Uncertain significance for Inborn genetic diseases. Last evaluated: 2022-04-27. Review status: criteria provided, single submitter. Criteria: Ambry Variant Classification Scheme 2023. Collection method: clinical testing. Allele origin: germline.